The following is an entry in ClinVar:

ClinVar aggregate classification (germline): Likely benign (0 of 4 stars; one submission).

Conditions:
LRRK1-related disorder. Also called: LRRK1-related condition.

Submission:

PreventionGenetics, part of Exact Sciences
Classification: Likely benign for LRRK1-related condition. Last evaluated: 2019-08-13. Review status: no assertion criteria provided. Collection method: clinical testing. Allele origin: germline.
Comment: This variant is classified as likely benign based on ACMG/AMP sequence variant interpretation guidelines (Richards et al. 2015 PMID: 25741868, with internal and published modifications).

NM_024652.6(LRRK1):c.1281+8_1281+9insA

Gene: LRRK1 (leucine rich repeat kinase 1; plus strand). Cytogenetic location: 15q26.3.
Variant type: Insertion.
Coding change: c.1281+8_1281+9insA on transcript NM_024652.6 (MANE Select); bases 8 to 9 of the intron after coding-DNA position 1281, A inserted.
Molecular consequence: intron variant.
Genome position: GRCh38 VCF-style: chr15-101010845-T-TA. GRCh37 (hg19) VCF-style: chr15-101551050-T-TA.
Identifiers: ClinVar variation 3042818 (VCV003042818.2), dbSNP rs2505349860, ClinGen allele CA2740096794.